The following is an entry in ClinVar:

ClinVar aggregate classification (germline): Uncertain significance (1 of 4 stars; one submission).

Conditions:
Renal cysts and diabetes syndrome (RCAD). Also called: Familial hypoplastic, glomerulocystic kidney; MATURITY-ONSET DIABETES OF THE YOUNG, TYPE 5. Identifiers: Orphanet 93111, MedGen C0431693, MONDO:0007669, OMIM 137920.

Submission:

Victorian Clinical Genetics Services, Murdoch Childrens Research Institute
Classification: Uncertain significance for Renal cysts and diabetes syndrome. Last evaluated: 2026-05-31. Review status: criteria provided, single submitter. Criteria: ACMG Guidelines, 2015. Collection method: clinical testing. Allele origin: germline.
Comment: This variant is classified as VUS-3B. Evidence in support of pathogenic classification: Variant is absent from gnomAD (v2, v3 and v4); Missense variant predicted to be damaging by in silico tool(s) or highly conserved with a major amino acid change. Additional information: Variant is predicted to result in a missense amino acid change from Thr to Pro; This variant is heterozygous; This gene is associated with autosomal dominant disease; This variant has no previous evidence of pathogenicity; No published evidence of segregation with disease has been identified for this variant; No published functional evidence has been identified for this variant; No comparable missense variants have previous evidence for pathogenicity; Variant is located in the annotated hepatocyte nuclear factor 1 (HNF-1), N terminus (DECIPHER); Dominant negative, loss of function, and gain of function are all reported mechanisms of disease in this gene and are associated with type 2 diabetes mellitus (MIM#125853) and renal cysts and diabetes syndrome (MIM#137920) (OMIM, PMID: 25536396, 11845238, 15509593); Variants in this gene are known to have variable expressivity. There is significant interfamilial and intrafamilial variability of HNF1B-related nephropathy (PMID: 33305128); Inheritance information for this variant is not currently available in this individual.

Literature cited by the submitters: PubMed 11845238; PubMed 15509593; PubMed 33305128; PubMed 25536396.

NM_000458.4(HNF1B):c.64A>C (p.Thr22Pro)

Gene: HNF1B (HNF1 homeobox B; minus strand). Cytogenetic location: 17q12.
Variant type: single nucleotide variant.
Coding change: c.64A>C on transcript NM_000458.4 (MANE Select); coding-DNA position 64, A replaced by C.
Protein change: p.Thr22Pro; replaces threonine 22 with proline.
Molecular consequence: missense variant.
Genome position (GRCh38, 1-based): chr17:37,744,821, T>G on the plus strand (A>C on the coding strand, the complement: HNF1B is on the minus strand). VCF-style: chr17-37744821-T-G. GRCh37 (hg19) VCF-style: chr17-36104812-T-G.
Other names: c.64A>C, p.Thr22Pro (NM_001165923.4, NM_001304286.2, NM_001411100.1); short protein forms T22P.
Identifiers: ClinVar variation 4879648 (VCV004879648.1).